The following is an entry in ClinVar:

ClinVar aggregate classification (germline): Uncertain significance (1 of 4 stars; one submission).

Conditions:
Insulin-dependent diabetes mellitus secretory diarrhea syndrome (IPEX). Also called: Immunodysregulation, polyendocrinopathy, and enteropathy, X-linked; Immune dysregulation-polyendocrinopathy-enteropathy-X-linked syndrome; DIABETES MELLITUS, CONGENITAL INSULIN-DEPENDENT, WITH FATAL SECRETORY DIARRHEA; DIARRHEA, POLYENDOCRINOPATHY, FATAL INFECTION SYNDROME, X-LINKED; ENTEROPATHY, AUTOIMMUNE, WITH HEMOLYTIC ANEMIA AND POLYENDOCRINOPATHY; IMMUNODEFICIENCY, POLYENDOCRINOPATHY, AND ENTEROPATHY, X-LINKED. Identifiers: Orphanet 37042, MedGen C0342288, MONDO:0010580, OMIM 304790. Disease mechanism: loss of function.

Submission:

3billion
Classification: Uncertain significance for Insulin-dependent diabetes mellitus secretory diarrhea syndrome. Last evaluated: 2026-01-27. Review status: criteria provided, single submitter. Criteria: ACMG Guidelines, 2015. Collection method: clinical testing. Allele origin: germline. Affected: yes.
Comment: The variant is not observed in the gnomAD v4.1.0 dataset. Predicted Consequence/Location: Missense variant In silico tool predictions suggest damaging effect of the variant on gene or gene product [REVEL: 0.83 (>=0.6, sensitivity 0.68 and specificity 0.92)]. Therefore, this variant is classified as VUS according to the recommendation of ACMG/AMP guideline.

NM_014009.4(FOXP3):c.1192G>T (p.Val398Leu)

Gene: FOXP3 (forkhead box P3; minus strand). Cytogenetic location: Xp11.23.
Variant type: single nucleotide variant.
Coding change: c.1192G>T on transcript NM_014009.4 (MANE Select); coding-DNA position 1192, G replaced by T.
Protein change: p.Val398Leu; replaces valine 398 with leucine.
Molecular consequence: missense variant.
Genome position (GRCh38, 1-based): chrX:49,251,438, C>A on the plus strand (G>T on the coding strand, the complement: FOXP3 is on the minus strand). VCF-style: chrX-49251438-C-A. GRCh37 (hg19) VCF-style: chrX-49107899-C-A.
Other names: c.1087G>T, p.Val363Leu (NM_001114377.2); short protein forms V363L, V398L.
Identifiers: ClinVar variation 4854713 (VCV004854713.1).